The following is an entry in ClinVar:

NM_032383.5(HPS3):c.1811G>A (p.Arg604Lys)

Gene: HPS3 (HPS3 biogenesis of lysosomal organelles complex 2 subunit 1; plus strand). Cytogenetic location: 3q24.
Variant type: single nucleotide variant.
Coding change: c.1811G>A on transcript NM_032383.5 (MANE Select); coding-DNA position 1811, G replaced by A.
Protein change: p.Arg604Lys; replaces arginine 604 with lysine.
Molecular consequence: missense variant.
Genome position (GRCh38, 1-based): chr3:149,158,785, G>A. VCF-style: chr3-149158785-G-A. GRCh37 (hg19) VCF-style: chr3-148876572-G-A.
Other names: c.1316G>A, p.Arg439Lys (NM_001308258.2); short protein forms R439K, R604K.
Identifiers: ClinVar variation 1953785 (VCV001953785.5), dbSNP rs764894549, ClinGen allele CA354922703.

ClinVar aggregate classification (germline): Uncertain significance (1 of 4 stars; one submission).

Submission:

Labcorp Genetics (formerly Invitae), Labcorp
Classification: Uncertain significance. Last evaluated: 2022-03-20. Review status: criteria provided, single submitter. Criteria: Invitae Variant Classification Sherloc (09022015). Collection method: clinical testing. Allele origin: germline.
Comment: This variant has not been reported in the literature in individuals affected with HPS3-related conditions. Algorithms developed to predict the effect of missense changes on protein structure and function output the following: SIFT: "Tolerated"; PolyPhen-2: "Benign"; Align-GVGD: "Class C0". The lysine amino acid residue is found in multiple mammalian species, which suggests that this missense change does not adversely affect protein function. In summary, the available evidence is currently insufficient to determine the role of this variant in disease. Therefore, it has been classified as a Variant of Uncertain Significance. This sequence change replaces arginine, which is basic and polar, with lysine, which is basic and polar, at codon 604 of the HPS3 protein (p.Arg604Lys). This variant is not present in population databases (gnomAD no frequency).